The following is an entry in ClinVar:

ClinVar aggregate classification (germline): Pathogenic (1 of 4 stars; one submission).

Conditions:
Ataxia-telangiectasia syndrome (AT). Also called: Cerebello-oculocutaneous telangiectasia; Immunodeficiency with ataxia telangiectasia; Ataxia-telangiectasia, complementation group D; AT, COMPLEMENTATION GROUP C; Ataxia-telangiectasia, complementation group E; LOUIS-BAR SYNDROME. Identifiers: Orphanet 100, MedGen C0004135, MONDO:0008840, OMIM 208900.

Submission:

Labcorp Genetics (formerly Invitae), Labcorp
Classification: Pathogenic for Ataxia-telangiectasia syndrome. Last evaluated: 2017-05-20. Review status: criteria provided, single submitter. Criteria: Invitae Variant Classification Sherloc (09022015). Collection method: clinical testing. Allele origin: germline.
Comment: For these reasons, this variant has been classified as Pathogenic. Loss-of-function variants in ATM are known to be pathogenic (PMID: 25614872, 23807571). This variant has not been reported in the literature in individuals with an ATM-related disease. This variant is not present in population databases (ExAC no frequency). This sequence change creates a premature translational stop signal (p.Leu885*) in the ATM gene. It is expected to result in an absent or disrupted protein product.

Literature cited by the submitters: PubMed 25614872; PubMed 23807571.

NM_000051.4(ATM):c.2654T>G (p.Leu885Ter)

Gene: ATM (ATM serine/threonine kinase; plus strand). Cytogenetic location: 11q22.3.
Variant type: single nucleotide variant.
Coding change: c.2654T>G on transcript NM_000051.4 (MANE Select); coding-DNA position 2654, T replaced by G.
Protein change: p.Leu885Ter; replaces leucine 885 with a stop codon.
Molecular consequence: nonsense.
Genome position (GRCh38, 1-based): chr11:108,268,425, T>G. VCF-style: chr11-108268425-T-G. GRCh37 (hg19) VCF-style: chr11-108139152-T-G.
Other names: c.2654T>G, p.Leu885Ter (NM_001351834.2); short protein forms L885*.
Identifiers: ClinVar variation 453425 (VCV000453425.7), dbSNP rs1555083096, ClinGen allele CA382545038.